The following is an entry in ClinVar:

NM_000545.8(HNF1A):c.1295C>G (p.Ser432Cys)

Gene: HNF1A (HNF1 homeobox A; plus strand). Cytogenetic location: 12q24.31.
Variant type: single nucleotide variant.
Coding change: c.1295C>G on transcript NM_000545.8 (MANE Select); coding-DNA position 1295, C replaced by G.
Protein change: p.Ser432Cys; replaces serine 432 with cysteine.
Molecular consequence: missense variant.
Genome position (GRCh38, 1-based): chr12:120,996,728, C>G. VCF-style: chr12-120996728-C-G. GRCh37 (hg19) VCF-style: chr12-121434531-C-G.
Other names: NM_001306179.2:c.1295C>G; c.1295C>G, p.Ser432Cys (NM_001306179.2, NM_001406915.1); short protein forms S432C.
Identifiers: ClinVar variation 2574167 (VCV002574167.1), dbSNP rs1224145094, ClinGen allele CA386969829.
Genomic context (GRCh38, chr12:120,996,728, plus strand): 5'-TGACCATCGGGCCTGGTGAGCCTGCCTCCCTGGGTCCTACGTTCACCAACACAGGTGCCT[C>G]CACCCTGGTCATCGGTAAGCTGGTGGGGATGGGTGGGCACCTGGGTGGGAGGCTCATGGG-3'
Protein context (NP_000536.6, residues 422-442): LGPTFTNTGA[Ser432Cys]TLVIGLASTQ

ClinVar aggregate classification (germline): Uncertain significance (3 of 4 stars; one submission).

Conditions:
Monogenic diabetes. Identifiers: Orphanet 183625, MedGen C3888631, MONDO:0015967.

Allele frequency attached by ClinVar (database versions not stated): gnomAD exomes below 0.00001.

Submission:

ClinGen Monogenic Diabetes Variant Curation Expert Panel
Classification: Uncertain significance for Monogenic diabetes. Last evaluated: 2023-07-30. Review status: reviewed by expert panel. Criteria: ClinGen Diabetes ACMG Specifications HNF1A V2.0.0. Collection method: curation. Allele origin: germline. Inheritance: Autosomal dominant inheritance.
Comment: The c.1295C>G variant in the HNF1 homeobox A gene, HNF1A, causes an amino acid change of serine to cysteine at codon 432 (p.(Ser432Cys)) of NM_000545.8. This variant is predicted to be deleterious by computational evidence, with a REVEL score of 0.8949, which is greater than the MDEP VCEP threshold of 0.70 (PP3). This variant has an incomputable Popmax filtering allele frequency due to 0 copies in the European non-Finnish and 1 copy in another subpopulation (East Asian), which is less than the ClinGen MDEP threshold for PM2_Supporting (ENF Popmax FAF < 0.000003 and <=2 copies in ENF and <= 1 copy in any other subpopulation) (PM2_Supporting). Two other missense variants, c.1295C>T p.Ser432Phe and c.1295C>A p.Ser432Tyr, have been classified as VUS by the ClinGen MDEP; therefore, PM5 will not be applied. This variant was identified in an individual with a diabetes; however, PP4 is unable to be evaluated due to insufficient clinical information (PMID: 10588527). In summary, c.1295C>G meets the criteria to be classified as a variant of uncertain significance for monogenic diabetes. ACMG/AMP criteria applied, as specified by the ClinGen MDEP (specification version 2.0.0, approved 1/11/2023): PP3, PM2_Supporting.